The following is an entry in ClinVar:

ClinVar aggregate classification (germline): Pathogenic (1 of 4 stars; one submission).

Conditions:
Epileptic encephalopathy. Identifiers: MedGen C0543888, HP:0200134.

Submission:

Labcorp Genetics (formerly Invitae), Labcorp
Classification: Pathogenic for Epileptic encephalopathy. Last evaluated: 2020-07-20. Review status: criteria provided, single submitter. Criteria: Invitae Variant Classification Sherloc (09022015). Collection method: clinical testing. Allele origin: germline.
Comment: For these reasons, this variant has been classified as Pathogenic. This variant disrupts the p.Ala567 amino acid residue in GABBR2. Other variant(s) that disrupt this residue have been determined to be pathogenic (PMID: 26740508, 28856709, 27541642). This suggests that this residue is clinically significant, and that variants that disrupt this residue are likely to be disease-causing. Algorithms developed to predict the effect of missense changes on protein structure and function are either unavailable or do not agree on the potential impact of this missense change (SIFT: "Deleterious"; PolyPhen-2: "Probably Damaging"; Align-GVGD: "Class C0"). This variant has been observed in individual(s) with clinical features of GABBR2-related conditions (Invitae). In at least one individual the variant was observed to be de novo. This variant is not present in population databases (ExAC no frequency). This sequence change replaces alanine with valine at codon 567 of the GABBR2 protein (p.Ala567Val). The alanine residue is highly conserved and there is a small physicochemical difference between alanine and valine.

Literature cited by the submitters: PubMed 26740508; PubMed 28856709; PubMed 27541642.

NM_005458.8(GABBR2):c.1700C>T (p.Ala567Val)

Gene: GABBR2 (gamma-aminobutyric acid type B receptor subunit 2; minus strand). Cytogenetic location: 9q22.33.
Variant type: single nucleotide variant.
Coding change: c.1700C>T on transcript NM_005458.8 (MANE Select); coding-DNA position 1700, C replaced by T.
Protein change: p.Ala567Val; replaces alanine 567 with valine.
Molecular consequence: missense variant.
Genome position (GRCh38, 1-based): chr9:98,371,534, G>A on the plus strand (C>T on the coding strand, the complement: GABBR2 is on the minus strand). VCF-style: chr9-98371534-G-A. GRCh37 (hg19) VCF-style: chr9-101133816-G-A.
Other names: short protein forms A567V.
Identifiers: ClinVar variation 1073462 (VCV001073462.9), dbSNP rs2131462561, ClinGen allele CA374208184.